The following is an entry in ClinVar:

ClinVar aggregate classification (germline): Uncertain significance (1 of 4 stars; one submission).

Conditions:
Fanconi anemia (FA). Also called: Fanconi's anemia. Identifiers: Orphanet 84, MedGen C0015625, MeSH D005199, MONDO:0019391.

Submission:

Labcorp Genetics (formerly Invitae), Labcorp
Classification: Uncertain significance for Fanconi anemia. Last evaluated: 2022-08-24. Review status: criteria provided, single submitter. Criteria: Invitae Variant Classification Sherloc (09022015). Collection method: clinical testing. Allele origin: germline.
Comment: This variant has not been reported in the literature in individuals affected with SLX4-related conditions. This sequence change replaces serine, which is neutral and polar, with arginine, which is basic and polar, at codon 631 of the SLX4 protein (p.Ser631Arg). This variant is not present in population databases (gnomAD no frequency). Algorithms developed to predict the effect of missense changes on protein structure and function are either unavailable or do not agree on the potential impact of this missense change (SIFT: "Tolerated"; PolyPhen-2: "Possibly Damaging"; Align-GVGD: "Class C0"). In summary, the available evidence is currently insufficient to determine the role of this variant in disease. Therefore, it has been classified as a Variant of Uncertain Significance.

NM_032444.4(SLX4):c.1893T>G (p.Ser631Arg)

Gene: SLX4 (SLX4 structure-specific endonuclease subunit; minus strand). Cytogenetic location: 16p13.3.
Variant type: single nucleotide variant.
Coding change: c.1893T>G on transcript NM_032444.4 (MANE Select); coding-DNA position 1893, T replaced by G.
Protein change: p.Ser631Arg; replaces serine 631 with arginine.
Molecular consequence: missense variant.
Genome position (GRCh38, 1-based): chr16:3,596,184, A>C on the plus strand (T>G on the coding strand, the complement: SLX4 is on the minus strand). VCF-style: chr16-3596184-A-C. GRCh37 (hg19) VCF-style: chr16-3646185-A-C.
Other names: short protein forms S631R.
Identifiers: ClinVar variation 2141962 (VCV002141962.4), dbSNP rs1739979320, ClinGen allele CA394526990.